The following is an entry in ClinVar:

ClinVar aggregate classification (germline): Uncertain significance. Review status: criteria provided, multiple submitters, no conflicts (2 of 4 stars). 4 submissions from 4 submitters: Uncertain significance (3). 1 of the submissions does not count toward it. Last evaluated 2026-06-19.

Conditions:
Niemann-Pick disease, type A. Also called: Infantile Neurovisceral ASMD (Niemann-Pick Disease Type A; NPD-A); SPHINGOMYELIN LIPIDOSIS; SPHINGOMYELINASE DEFICIENCY. Identifiers: Orphanet 77292, MedGen C0268242, MONDO:0009756, OMIM 257200. Disease mechanism: loss of function.
Niemann-Pick disease, type B. Also called: Chronic Visceral ASMD (Niemann-Pick Disease Type B; NPD-B). Identifiers: Orphanet 77293, MedGen C0268243, MONDO:0011871, OMIM 607616. Disease mechanism: loss of function.
SMPD1-related disorder. Also called: SMPD1-related condition.

gnomAD v4.1: 81 of 519,178 alleles (0.016%); highest among the groups gnomAD compares: Middle Eastern, 0.041%; no homozygotes.

Submissions (4):

PreventionGenetics, part of Exact Sciences
Classification: Uncertain significance for SMPD1-related condition. Last evaluated: 2026-06-19. Review status: criteria provided, single submitter. Criteria: ACMG Guidelines, 2015. Collection method: clinical testing. Allele origin: germline.
Comment: The SMPD1 c.113C>T variant is predicted to result in the amino acid substitution p.Ala38Val. To our knowledge, this variant has not been reported in the literature. This variant is reported in 0.028% of alleles in individuals of Latino descent in gnomAD. At this time, the clinical significance of this variant is uncertain due to the absence of conclusive functional and genetic evidence.

Labcorp Genetics (formerly Invitae), Labcorp
Classification: Uncertain significance for Niemann-Pick disease, type B; Niemann-Pick disease, type A. Last evaluated: 2024-10-29. Review status: criteria provided, single submitter. Criteria: Invitae Variant Classification Sherloc (09022015). Collection method: clinical testing. Allele origin: germline.
Comment: This sequence change replaces alanine, which is neutral and non-polar, with valine, which is neutral and non-polar, at codon 38 of the SMPD1 protein (p.Ala38Val). The frequency data for this variant in the population databases is considered unreliable, as metrics indicate poor data quality at this position in the gnomAD database. This variant has not been reported in the literature in individuals affected with SMPD1-related conditions. ClinVar contains an entry for this variant (Variation ID: 558820). Invitae Evidence Modeling of protein sequence and biophysical properties (such as structural, functional, and spatial information, amino acid conservation, physicochemical variation, residue mobility, and thermodynamic stability) indicates that this missense variant is not expected to disrupt SMPD1 protein function with a negative predictive value of 80%. In summary, the available evidence is currently insufficient to determine the role of this variant in disease. Therefore, it has been classified as a Variant of Uncertain Significance.

Eurofins Ntd Llc (ga)
Classification: Uncertain significance. Last evaluated: 2017-07-07. Review status: criteria provided, single submitter. Criteria: EGL Classification Definitions 2015. Collection method: clinical testing. Allele origin: germline. Observed: 2 variant alleles, 2 heterozygotes.

Mayo Clinic Laboratories, Mayo Clinic
Classification: Uncertain significance. Last evaluated: 2015-10-22. Review status: no assertion criteria provided. Collection method: clinical testing. Allele origin: unknown. Not counted in ClinVar's aggregate classification.

NM_000543.5(SMPD1):c.113C>T (p.Ala38Val)

Gene: SMPD1 (sphingomyelin phosphodiesterase 1; plus strand). Cytogenetic location: 11p15.4.
Variant type: single nucleotide variant.
Coding change: c.113C>T on transcript NM_000543.5 (MANE Select); coding-DNA position 113, C replaced by T.
Protein change: p.Ala38Val; replaces alanine 38 with valine.
Molecular consequence: missense variant. On other transcripts: 5 prime UTR variant (1), non-coding transcript variant (2).
Genome position (GRCh38, 1-based): chr11:6,390,711, C>T. VCF-style: chr11-6390711-C-T. GRCh37 (hg19) VCF-style: chr11-6411941-C-T.
Other names: c.113C>T, p.Ala38Val (NM_001007593.3, NM_001318087.2, NM_001365135.2); c.-849C>T (NM_001318088.2); short protein forms A38V.
Identifiers: ClinVar variation 558820 (VCV000558820.11), dbSNP rs71467507, ClinGen allele CA5852493.
Genomic context (GRCh38, chr11:6,390,711, plus strand): 5'-AGCAGGGACAAGACGGGACCGCCGGAGCCCCCGGACTCCTTTGGATGGGCCTGGTGCTGG[C>T]GCTGGCGCTGGCGCTGGCGCTGGCGCTGGCTCTGTCTGACTCTCGGGTTCTCTGGGCTCC-3'
Protein context (NP_000534.3, residues 28-48): PGLLWMGLVL[Ala38Val]LALALALALA